The following is an entry in ClinVar:

ClinVar aggregate classification (germline): Likely benign. Review status: criteria provided, single submitter (1 of 4 stars). 2 submissions from 2 submitters: Likely benign (1). 1 of the submissions does not count toward it. Last evaluated 2025-01-01.

Conditions:
WDR1-related disorder. Also called: WDR1-related condition.

Allele frequency attached by ClinVar (database versions not stated): TOPMed below 0.00001; gnomAD 0.00002; gnomAD exomes 0.00003 and 0.00009; ExAC 0.00017.
gnomAD v4.1: 52 of 1,603,148 alleles (0.0032%); highest among the groups gnomAD compares: South Asian, 0.052%; no homozygotes.

Submissions (2):

Labcorp Genetics (formerly Invitae), Labcorp
Classification: Likely benign. Last evaluated: 2025-01-01. Review status: criteria provided, single submitter. Criteria: Invitae Variant Classification Sherloc (09022015). Collection method: clinical testing. Allele origin: germline.

PreventionGenetics, part of Exact Sciences
Classification: Likely benign for WDR1-related condition. Last evaluated: 2019-04-18. Review status: no assertion criteria provided. Collection method: clinical testing. Allele origin: germline. Not counted in ClinVar's aggregate classification.
Comment: This variant is classified as likely benign based on ACMG/AMP sequence variant interpretation guidelines (Richards et al. 2015 PMID: 25741868, with internal and published modifications).

NM_017491.5(WDR1):c.183G>C (p.Val61=)

Gene: WDR1 (WD repeat domain 1; minus strand). Cytogenetic location: 4p16.1.
Variant type: single nucleotide variant.
Coding change: c.183G>C on transcript NM_017491.5 (MANE Select); coding-DNA position 183, G replaced by C.
Protein change: p.Val61=; no amino-acid change (valine 61 retained).
Molecular consequence: synonymous variant. On other transcripts: intron variant (1).
Genome position (GRCh38, 1-based): chr4:10,103,942, C>G on the plus strand (G>C on the coding strand, the complement: WDR1 is on the minus strand). VCF-style: chr4-10103942-C-G. GRCh37 (hg19) VCF-style: chr4-10105566-C-G.
Other names: c.138+12171G>C (NM_005112.5); c.183G>C (NM_017491.3).
Identifiers: ClinVar variation 1616135 (VCV001616135.10), dbSNP rs758759704, ClinGen allele CA2858196.
Genomic context (GRCh38, chr4:10,103,942, plus strand): 5'-CCCCCATACAGTACCTCCGGAGGCAATGTAGAATCCGCTGGGCGCATACTTGGCCACCAC[C>G]ACCTGATGGGCGTGCTCTGTGTAGATGTCAGCAAGGGCTGGGTTCTGCAGGAGGAGACCC-3'
Protein context (NP_059830.1, residues 51-71): ADIYTEHAHQ[Val61=]VVAKYAPSGF